The following is an entry in ClinVar:

NM_001256071.3(RNF213):c.8010C>T (p.Ser2670=)

Gene: RNF213 (ring finger protein 213; plus strand). Cytogenetic location: 17q25.3.
Variant type: single nucleotide variant.
Coding change: c.8010C>T on transcript NM_001256071.3 (MANE Select); coding-DNA position 8010, C replaced by T.
Protein change: p.Ser2670=; no amino-acid change (serine 2670 retained).
Molecular consequence: synonymous variant.
Genome position (GRCh38, 1-based): chr17:80,346,345, C>T. VCF-style: chr17-80346345-C-T. GRCh37 (hg19) VCF-style: chr17-78320145-C-T.
Other names: p.Ser2670=.
Identifiers: ClinVar variation 733894 (VCV000733894.8), dbSNP rs143491577, ClinGen allele CA8820856.

ClinVar aggregate classification (germline): Benign/Likely benign. Review status: criteria provided, multiple submitters, no conflicts (2 of 4 stars). 2 submissions from 2 submitters: Benign (1); Likely benign (1). Last evaluated 2025-03-06.

Allele frequency attached by ClinVar (database versions not stated): gnomAD exomes 0.00025; ExAC 0.00026; gnomAD 0.00064 and 0.00069; TOPMed 0.00075; ESP Exome Variant Server 0.00085.
gnomAD v4.1: 302 of 1,613,686 alleles (0.019%); highest among the groups gnomAD compares: African/African-American, 0.27%; no homozygotes.

Submissions (2):

Mayo Clinic Laboratories, Mayo Clinic
Classification: Likely benign. Last evaluated: 2025-03-06. Review status: criteria provided, single submitter. Criteria: ACMG Guidelines, 2015. Collection method: clinical testing. Allele origin: germline. Observed: 1 variant allele.
Comment: BP4, BP7

Labcorp Genetics (formerly Invitae), Labcorp
Classification: Benign. Last evaluated: 2022-10-23. Review status: criteria provided, single submitter. Criteria: Invitae Variant Classification Sherloc (09022015). Collection method: clinical testing. Allele origin: germline.